The following is an entry in ClinVar:

ClinVar aggregate classification (germline): Benign. Review status: criteria provided, multiple submitters, no conflicts (2 of 4 stars). 8 submissions from 8 submitters: Benign (7). 1 of the submissions does not count toward it. Last evaluated 2026-02-03.

Conditions:
Inborn genetic diseases. Identifiers: MedGen C0950123, MeSH D030342.
Rafiq syndrome (RAFQS). Identifiers: Orphanet 88616, MedGen C3280127, MONDO:0013624, OMIM 614202.

Allele frequency attached by ClinVar (database versions not stated): gnomAD 0.80826 and 0.80477; TOPMed 0.82476; ESP Exome Variant Server 0.81916; 1000 Genomes Project 0.80990; 1000 Genomes Project 30x 0.81512.
gnomAD v4.1: 1,218,670 of 1,613,658 alleles (76%); highest among the groups gnomAD compares: African/African-American, 95%; 462,536 homozygotes.

Submissions (8):

Labcorp Genetics (formerly Invitae), Labcorp
Classification: Benign for Rafiq syndrome. Last evaluated: 2026-02-03. Review status: criteria provided, single submitter. Criteria: Invitae Variant Classification Sherloc (09022015). Collection method: clinical testing. Allele origin: germline.

Genome-Nilou Lab
Classification: Benign for Rafiq syndrome. Last evaluated: 2021-09-05. Review status: criteria provided, single submitter. Criteria: ACMG Guidelines, 2015. Collection method: clinical testing. Allele origin: germline. Affected: no.

GeneDx
Classification: Benign. Last evaluated: 2018-06-14. Review status: criteria provided, single submitter. Criteria: GeneDx Variant Classification (06012015). Collection method: clinical testing. Allele origin: germline. Affected: yes.
Comment: This variant is considered likely benign or benign based on one or more of the following criteria: it is a conservative change, it occurs at a poorly conserved position in the protein, it is predicted to be benign by multiple in silico algorithms, and/or has population frequency not consistent with disease.

Illumina Laboratory Services, Illumina
Classification: Benign for Rafiq syndrome. Last evaluated: 2018-01-12. Review status: criteria provided, single submitter. Criteria: ICSL Variant Classification Criteria 13 December 2019. Collection method: clinical testing. Allele origin: germline.
Comment: This variant was observed in the ICSL laboratory as part of a predisposition screen in an ostensibly healthy population. It had not been previously curated by ICSL or reported in the Human Gene Mutation Database (HGMD: prior to June 1st, 2018), and was therefore a candidate for classification through an automated scoring system. Utilizing variant allele frequency, disease prevalence and penetrance estimates, and inheritance mode, an automated score was calculated to assess if this variant is too frequent to cause the disease. Based on the score and internal cut-off values, a variant classified as benign is not then subjected to further curation. The score for this variant resulted in a classification of benign for this disease.

Mayo Clinic Laboratories, Mayo Clinic
Classification: Benign. Last evaluated: 2016-05-12. Review status: criteria provided, single submitter. Criteria: ACMG Guidelines, 2015. Collection method: clinical testing. Allele origin: germline. Observed: 41 variant alleles.

Ambry Genetics
Classification: Benign for Inborn genetic diseases. Last evaluated: 2016-03-11. Review status: criteria provided, single submitter. Criteria: Ambry Variant Classification Scheme 2023. Collection method: clinical testing. Allele origin: germline.

Breakthrough Genomics
Classification: Benign. Review status: criteria provided, single submitter. Criteria: ACMG Guidelines, 2015. Collection method: not provided. Allele origin: germline. Inheritance: Autosomal recessive inheritance. Affected: yes.

Genetic Services Laboratory, University of Chicago
Classification: Likely benign for AllHighlyPenetrant. Review status: no assertion criteria provided. Collection method: clinical testing. Allele origin: germline. Inheritance: Autosomal recessive inheritance. Not counted in ClinVar's aggregate classification.
Comment: Likely benign based on allele frequency in 1000 Genomes Project or ESP global frequency and its presence in a patient with a rare or unrelated disease phenotype. NOT Sanger confirmed.

NM_016219.5(MAN1B1):c.2046T>C (p.Asp682=)

Gene: MAN1B1 (mannosidase alpha class 1B member 1; plus strand). Cytogenetic location: 9q34.3.
Variant type: single nucleotide variant.
Coding change: c.2046T>C on transcript NM_016219.5 (MANE Select); coding-DNA position 2046, T replaced by C.
Protein change: p.Asp682=; no amino-acid change (aspartic acid 682 retained).
Molecular consequence: synonymous variant. On other transcripts: non-coding transcript variant (2).
Genome position (GRCh38, 1-based): chr9:137,108,537, T>C. VCF-style: chr9-137108537-T-C. GRCh37 (hg19) VCF-style: chr9-140002989-T-C.
Other names: p.Asp682=.
Identifiers: ClinVar variation 129577 (VCV000129577.27), dbSNP rs4880091, ClinGen allele CA153657.
Genomic context (GRCh38, chr9:137,108,537, plus strand): 5'-GGAGACGCTCAAGTATCTGTTCTTGCTCTTCTCCGATGACCCAAACCTGCTCAGCCTGGA[T>C]GCCTACGTGTTCAACACCGAAGCCCACCCTCTGCCTATCTGGACCCCTGCCTAGGGTGGA-3'
Protein context (NP_057303.2, residues 672-692): FSDDPNLLSL[Asp682=]AYVFNTEAHP